The following is an entry in ClinVar:

ClinVar aggregate classification (germline): Conflicting classifications of pathogenicity. Review status: criteria provided, conflicting classifications (1 of 4 stars). 3 submissions from 3 submitters: Likely pathogenic (2); Uncertain significance (1). Last evaluated 2022-04-08.

Conditions:
Amyotrophic lateral sclerosis type 1 (ALS1). Also called: AMYOTROPHIC LATERAL SCLEROSIS 1, FAMILIAL. Identifiers: Orphanet 803, MedGen C1862939, MONDO:0007103, OMIM 105400.
Spastic tetraplegia and axial hypotonia, progressive. Also called: SOD1 DEFICIENCY, AUTOSOMAL RECESSIVE. Identifiers: MedGen C5231422, MONDO:0032828, OMIM 618598.

Allele frequency attached by ClinVar (database versions not stated): gnomAD exomes 0.00001; TOPMed 0.00001.
gnomAD v4.1: 8 of 1,609,520 alleles (0.0005%); highest among the groups gnomAD compares: East Asian, 0.0022%; no homozygotes.

Submissions (3):

Labcorp Genetics (formerly Invitae), Labcorp
Classification: Likely pathogenic for Amyotrophic lateral sclerosis type 1. Last evaluated: 2022-04-08. Review status: criteria provided, single submitter. Criteria: Invitae Variant Classification Sherloc (09022015). Collection method: clinical testing. Allele origin: germline.
Comment: In summary, the currently available evidence indicates that the variant is pathogenic, but additional data are needed to prove that conclusively. Therefore, this variant has been classified as Likely Pathogenic. This variant disrupts the p.Arg116 (also known as p.Arg115) amino acid residue in SOD1. Other variant(s) that disrupt this residue have been determined to be pathogenic (PMID: 7881433, 15258228, 23280792). This suggests that this residue is clinically significant, and that variants that disrupt this residue are likely to be disease-causing. Advanced modeling of protein sequence and biophysical properties (such as structural, functional, and spatial information, amino acid conservation, physicochemical variation, residue mobility, and thermodynamic stability) performed at Invitae indicates that this missense variant is expected to disrupt SOD1 protein function. This variant is also known as R115C. This missense change has been observed in individual(s) with amyotrophic lateral sclerosis (PMID: 23182243, 32951934). This variant is present in population databases (no rsID available, gnomAD 0.003%). This sequence change replaces arginine, which is basic and polar, with cysteine, which is neutral and slightly polar, at codon 116 of the SOD1 protein (p.Arg116Cys).

AiLife Diagnostics
Classification: Uncertain significance. Last evaluated: 2022-03-29. Review status: criteria provided, single submitter. Criteria: ACMG Guidelines, 2015. Collection method: clinical testing. Allele origin: germline. Affected: yes. Observed: 1 variant allele.

Juno Genomics, Hangzhou Juno Genomics, Inc
Classification: Likely pathogenic for Spastic tetraplegia and axial hypotonia, progressive; Amyotrophic lateral sclerosis type 1. Review status: criteria provided, single submitter. Criteria: ACMG Guidelines, 2015. Collection method: clinical testing. Allele origin: germline.
Comment: Absent from controls (or at extremely low frequency if recessive) in Genome Aggregation Database.;Multiple lines of computational evidence support a deleterious effect on the gene or gene product.;Novel missense change at an amino acid residue where a different missense change determined to be pathogenic has been seen before.

Literature cited by the submitters: PubMed 7881433 (cited by Labcorp Genetics (formerly Invitae), Labcorp); PubMed 15258228 (cited by Labcorp Genetics (formerly Invitae), Labcorp); PubMed 23280792 (cited by Labcorp Genetics (formerly Invitae), Labcorp); PubMed 23182243 (cited by Labcorp Genetics (formerly Invitae), Labcorp and AiLife Diagnostics); PubMed 32951934 (cited by Labcorp Genetics (formerly Invitae), Labcorp and AiLife Diagnostics); PubMed 30029678 (cited by AiLife Diagnostics).

NM_000454.5(SOD1):c.346C>T (p.Arg116Cys)

Gene: SOD1 (superoxide dismutase 1; plus strand). Cytogenetic location: 21q22.11.
Variant type: single nucleotide variant.
Coding change: c.346C>T on transcript NM_000454.5 (MANE Select); coding-DNA position 346, C replaced by T.
Protein change: p.Arg116Cys; replaces arginine 116 with cysteine.
Molecular consequence: missense variant.
Genome position (GRCh38, 1-based): chr21:31,667,364, C>T. VCF-style: chr21-31667364-C-T. GRCh37 (hg19) VCF-style: chr21-33039677-C-T.
Other names: short protein forms R116C.
Identifiers: ClinVar variation 1678083 (VCV001678083.8), dbSNP rs1301635320, ClinGen allele CA410037590.